The following is an entry in ClinVar:

NC_000009.12:g.35658036_35658038del

Gene: RMRP (RNA component of mitochondrial RNA processing endoribonuclease; minus strand). Cytogenetic location: 9p13.3.
Variant type: Deletion.
Genome position: GRCh38 VCF-style: chr9-35658035-AGAG-A. GRCh37 (hg19) VCF-style: chr9-35658032-AGAG-A.
Identifiers: ClinVar variation 553394 (VCV000553394.3), dbSNP rs1210447003, ClinGen allele CA658821617.

ClinVar aggregate classification (germline): Uncertain significance. Review status: criteria provided, single submitter (1 of 4 stars). 2 submissions from 2 submitters: Uncertain significance (1). 1 of the submissions does not count toward it. Last evaluated 2025-08-31.

Conditions:
Metaphyseal chondrodysplasia, McKusick type (CHH). Also called: Cartilage-Hair Hypoplasia (CHH); Cartilage-hair hypoplasia. Identifiers: Orphanet 175, MedGen C0220748, MONDO:0009595, OMIM 250250.
Anauxetic dysplasia. Identifiers: Orphanet 93347, MedGen C1846796, MONDO:0011773.

Allele frequency attached by ClinVar (database versions not stated): TOPMed below 0.00001; gnomAD 0.00001.

Submissions (2):

Labcorp Genetics (formerly Invitae), Labcorp
Classification: Uncertain significance for Anauxetic dysplasia. Last evaluated: 2025-08-31. Review status: criteria provided, single submitter. Criteria: Invitae Variant Classification Sherloc (09022015). Collection method: clinical testing. Allele origin: germline.
Comment: This variant occurs in the RMRP gene, which encodes an RNA molecule that does not result in a protein product. This variant is not present in population databases (gnomAD no frequency). This variant has not been reported in the literature in individuals affected with RMRP-related conditions. Experimental studies and prediction algorithms are not available or were not evaluated, and the functional significance of this variant is currently unknown. In summary, the available evidence is currently insufficient to determine the role of this variant in disease. Therefore, it has been classified as a Variant of Uncertain Significance.

Counsyl
Classification: Uncertain significance for Metaphyseal chondrodysplasia, McKusick type. Last evaluated: 2017-08-24. Review status: no assertion criteria provided. Collection method: clinical testing. Allele origin: unknown. Not counted in ClinVar's aggregate classification.